The following is an entry in ClinVar:

NM_145059.3(FCSK):c.1130A>G (p.Gln377Arg)

Gene: FCSK (fucose kinase; plus strand). Cytogenetic location: 16q22.1.
Variant type: single nucleotide variant.
Coding change: c.1130A>G on transcript NM_145059.3 (MANE Select); coding-DNA position 1130, A replaced by G.
Protein change: p.Gln377Arg; replaces glutamine 377 with arginine.
Molecular consequence: missense variant.
Genome position (GRCh38, 1-based): chr16:70,471,032, A>G. VCF-style: chr16-70471032-A-G. GRCh37 (hg19) VCF-style: chr16-70504935-A-G.
Other names: short protein forms Q377R.
Identifiers: ClinVar variation 4778491 (VCV004778491.1).

ClinVar aggregate classification (germline): Uncertain significance (1 of 4 stars; one submission).

gnomAD v4.1: 21 of 1,603,382 alleles (0.0013%); highest among the groups gnomAD compares: Non-Finnish European, 0.0017%; no homozygotes.

Submission:

Labcorp Genetics (formerly Invitae), Labcorp
Classification: Uncertain significance. Last evaluated: 2025-10-01. Review status: criteria provided, single submitter. Criteria: Invitae Variant Classification Sherloc (09022015). Collection method: clinical testing. Allele origin: germline.
Comment: This sequence change replaces glutamine, which is neutral and polar, with arginine, which is basic and polar, at codon 377 of the FUK protein (p.Gln377Arg). The frequency data for this variant in the population databases is considered unreliable, as metrics indicate poor data quality at this position in the gnomAD database. This variant has not been reported in the literature in individuals affected with FUK-related conditions. An algorithm developed to predict the effect of missense changes on protein structure and function outputs the following: PolyPhen-2: "Benign". The arginine amino acid residue is found in multiple mammalian species, which suggests that this missense change does not adversely affect protein function. In summary, the available evidence is currently insufficient to determine the role of this variant in disease. Therefore, it has been classified as a Variant of Uncertain Significance.